The following is an entry in ClinVar:

ClinVar aggregate classification (germline): Likely pathogenic (1 of 4 stars; one submission).

Submission:

GeneDx
Classification: Likely pathogenic. Last evaluated: 2023-09-30. Review status: criteria provided, single submitter. Criteria: GeneDx Variant Classification Process June 2021. Collection method: clinical testing. Allele origin: germline. Affected: yes.
Comment: Not observed at significant frequency in large population cohorts (gnomAD); Missense variants in this gene are often considered pathogenic (HGMD); This substitution is predicted to be within the transmembrane segment S2 of the fourth homologous domain; In silico analysis supports that this missense variant has a deleterious effect on protein structure/function; Has not been previously published as pathogenic or benign to our knowledge; This variant is associated with the following publications: (PMID: 32581296)

NM_001165963.4(SCN1A):c.4760A>T (p.Glu1587Val)

Genes: SCN1A (sodium voltage-gated channel alpha subunit 1; minus strand), LOC102724058 (uncharacterized LOC102724058; plus strand). Cytogenetic location: 2q24.3.
Variant type: single nucleotide variant.
Coding change: c.4760A>T on transcript NM_001165963.4 (MANE Select); coding-DNA position 4760, A replaced by T.
Protein change: p.Glu1587Val; replaces glutamic acid 1587 with valine.
Molecular consequence: missense variant. On other transcripts: non-coding transcript variant (1).
Genome position (GRCh38, 1-based): chr2:165,994,238, T>A on the plus strand (A>T on the coding strand, the complement: SCN1A is on the minus strand). VCF-style: chr2-165994238-T-A. GRCh37 (hg19) VCF-style: chr2-166850748-T-A.
Other names: c.4676A>T, p.Glu1559Val (NM_001165964.3, NM_001353957.2, NM_001353958.2); c.4760A>T, p.Glu1587Val (NM_001202435.3, NM_001353948.2); c.4727A>T, p.Glu1576Val (NM_001353949.2, NM_001353950.2, NM_001353951.2 and 2 more transcripts); c.4724A>T, p.Glu1575Val (NM_001353954.2, NM_001353955.2); c.4673A>T, p.Glu1558Val (NM_001353960.2); c.2318A>T, p.Glu773Val (NM_001353961.2); short protein forms E1558V, E1559V, E1575V, E1576V, E1587V, E773V.
Identifiers: ClinVar variation 3340196 (VCV003340196.1).